The following is an entry in ClinVar:

NM_000346.4(SOX9):c.1060C>A (p.Pro354Thr)

Gene: SOX9 (SRY-box transcription factor 9; plus strand). Cytogenetic location: 17q24.3.
Variant type: single nucleotide variant.
Coding change: c.1060C>A on transcript NM_000346.4 (MANE Select); coding-DNA position 1060, C replaced by A.
Protein change: p.Pro354Thr; replaces proline 354 with threonine.
Molecular consequence: missense variant.
Genome position (GRCh38, 1-based): chr17:72,123,917, C>A. VCF-style: chr17-72123917-C-A. GRCh37 (hg19) VCF-style: chr17-70120058-C-A.
Other names: short protein forms P354T.
Identifiers: ClinVar variation 4681984 (VCV004681984.5).

ClinVar aggregate classification (germline): Uncertain significance (1 of 4 stars; one submission).

Submission:

CeGaT Center for Human Genetics Tuebingen
Classification: Uncertain significance. Last evaluated: 2025-12-01. Review status: criteria provided, single submitter. Criteria: CeGaT Center For Human Genetics Tuebingen Variant Classification Criteria Version 2. Collection method: clinical testing. Allele origin: germline. Affected: yes. Observed: 1 variant allele.
Comment: SOX9: PM2